The following is an entry in ClinVar:

ClinVar aggregate classification (germline): Uncertain significance (1 of 4 stars; one submission).

Conditions:
Neuromuscular disease caused by qualitative or quantitative defects of dysferlin. Also called: Dysferlinopathy; Qualitative or quantitative defects of dysferlin. Identifiers: Orphanet 207073, MedGen C2931687, MONDO:0016145.

Allele frequency attached by ClinVar (database versions not stated): gnomAD exomes below 0.00001; TOPMed 0.00002.
gnomAD v4.1: 1 of 1,614,080 alleles (0.000062%); highest among the groups gnomAD compares: African/African-American, 0.0013%; no homozygotes.

Submission:

Labcorp Genetics (formerly Invitae), Labcorp
Classification: Uncertain significance for Neuromuscular disease caused by qualitative or quantitative defects of dysferlin. Last evaluated: 2021-08-18. Review status: criteria provided, single submitter. Criteria: Invitae Variant Classification Sherloc (09022015). Collection method: clinical testing. Allele origin: germline.
Comment: This sequence change replaces cysteine with arginine at codon 1144 of the DYSF protein (p.Cys1144Arg). The cysteine residue is moderately conserved and there is a large physicochemical difference between cysteine and arginine. This variant is not present in population databases (ExAC no frequency). This variant has not been reported in the literature in individuals affected with DYSF-related conditions. Advanced modeling of protein sequence and biophysical properties (such as structural, functional, and spatial information, amino acid conservation, physicochemical variation, residue mobility, and thermodynamic stability) performed at Invitae indicates that this missense variant is expected to disrupt DYSF protein function. In summary, the available evidence is currently insufficient to determine the role of this variant in disease. Therefore, it has been classified as a Variant of Uncertain Significance.

NM_001130987.2(DYSF):c.3484T>C (p.Cys1162Arg)

Gene: DYSF (dysferlin; plus strand). Cytogenetic location: 2p13.2.
Variant type: single nucleotide variant.
Coding change: c.3484T>C on transcript NM_001130987.2 (MANE Select); coding-DNA position 3484, T replaced by C.
Protein change: p.Cys1162Arg; replaces cysteine 1162 with arginine.
Molecular consequence: missense variant.
Genome position (GRCh38, 1-based): chr2:71,589,674, T>C. VCF-style: chr2-71589674-T-C. GRCh37 (hg19) VCF-style: chr2-71816804-T-C.
Other names: c.3433T>C, p.Cys1145Arg (NM_001130455.2, NM_001130983.2); c.3388T>C, p.Cys1130Arg (NM_001130976.2, NM_001130977.2); c.3430T>C, p.Cys1144Arg (NM_001130978.2, NM_003494.4); c.3523T>C, p.Cys1175Arg (NM_001130979.2); c.3481T>C, p.Cys1161Arg (NM_001130980.2, NM_001130981.2); c.3526T>C, p.Cys1176Arg (NM_001130982.2); c.3391T>C, p.Cys1131Arg (NM_001130984.2, NM_001130986.2); c.3484T>C, p.Cys1162Arg (NM_001130985.2); short protein forms C1131R, C1144R, C1162R, C1130R, C1145R, C1161R, C1175R, C1176R.
Identifiers: ClinVar variation 1367948 (VCV001367948.6), dbSNP rs1353308560, ClinGen allele CA347220652.
Genomic context (GRCh38, chr2:71,589,674, plus strand): 5'-AGTGAAGATTCCATGTCCGTCTCCACCTTGAGCTTCGGTGTGAACAGACCCACGATTTCC[T>C]GCATATTCGACTGTAAGTGAGGCTTCGAGGCCTCTATGGGGTGATAAGGGTGTGTCACCT-3'
Protein context (NP_001124459.1, residues 1152-1172): SFGVNRPTIS[Cys1162Arg]IFDYGNRYHL